The following is an entry in ClinVar:

NM_000494.4(COL17A1):c.25C>T (p.Arg9Ter)

Gene: COL17A1 (collagen type XVII alpha 1 chain; minus strand). Cytogenetic location: 10q25.1.
Variant type: single nucleotide variant.
Coding change: c.25C>T on transcript NM_000494.4 (MANE Select); coding-DNA position 25, C replaced by T.
Protein change: p.Arg9Ter; replaces arginine 9 with a stop codon.
Molecular consequence: nonsense.
Genome position (GRCh38, 1-based): chr10:104,080,649, G>A on the plus strand (C>T on the coding strand, the complement: COL17A1 is on the minus strand). VCF-style: chr10-104080649-G-A. GRCh37 (hg19) VCF-style: chr10-105840407-G-A.
Other names: c.25C>T, p.Arg9Ter (LRG_1249t1); short protein forms R9*.
Identifiers: ClinVar variation 427173 (VCV000427173.9), dbSNP rs775196743, ClinGen allele CA5679618.

ClinVar aggregate classification (germline): Pathogenic. Review status: criteria provided, multiple submitters, no conflicts (2 of 4 stars). 4 submissions from 4 submitters: Pathogenic (4). Last evaluated 2024-12-05.

Conditions:
Junctional epidermolysis bullosa. Identifiers: Orphanet 305, MedGen C0079301, MONDO:0017612.
Junctional epidermolysis bullosa, non-Herlitz type. Also called: Adult junctional epidermolysis bullosa; COL17A1-Related Junctional Epidermolysis Bullosa; EPIDERMOLYSIS BULLOSA, JUNCTIONAL 1A, INTERMEDIATE; Epidermolysis bullosa, junctional, non-herlitz type, somatic mosaic revertant; EPIDERMOLYSIS BULLOSA JUNCTIONALIS, DISENTIS TYPE; EPIDERMOLYSIS BULLOSA JUNCTIONALIS, NON-HERLITZ TYPE. Identifiers: Orphanet 251393, Orphanet 79402, Orphanet 79405, Orphanet 89840, MedGen C0268374, MONDO:0009180, OMIM 226650.

Allele frequency attached by ClinVar (database versions not stated): ExAC 0.00001; gnomAD 0.00001; gnomAD exomes 0.00001; TOPMed 0.00001.
gnomAD v4.1: 9 of 1,612,944 alleles (0.00056%); highest among the groups gnomAD compares: Admixed American, 0.0017%; no homozygotes.

Submissions (4):

Women's Health and Genetics/Laboratory Corporation of America, LabCorp
Classification: Pathogenic for Junctional epidermolysis bullosa. Last evaluated: 2024-12-05. Review status: criteria provided, single submitter. Criteria: LabCorp Variant Classification Summary - May 2015. Collection method: clinical testing. Allele origin: germline.
Comment: Variant summary: COL17A1 c.25C>T (p.Arg9X) results in a premature termination codon, predicted to cause a truncation of the encoded protein or absence of the protein due to nonsense mediated decay, which are commonly known mechanisms for disease. The variant allele was found at a frequency of 8e-06 in 250892 control chromosomes. c.25C>T has been reported in the literature in an individual affected with Junctional Epidermolysis Bullosa (Pfendner_2003). To our knowledge, no experimental evidence demonstrating an impact on protein function has been reported. The following publication has been ascertained in the context of this evaluation (PMID: 12813757). ClinVar contains an entry for this variant (Variation ID: 427173). Based on the evidence outlined above, the variant was classified as pathogenic.

GeneDx
Classification: Pathogenic. Last evaluated: 2023-02-27. Review status: criteria provided, single submitter. Criteria: GeneDx Variant Classification Process June 2021. Collection method: clinical testing. Allele origin: germline. Affected: yes.
Comment: Reported previously in association with junctional epidermolysis bullosa in published literature (Pfendner et al. 2003); Nonsense variant predicted to result in protein truncation or nonsense mediated decay in a gene for which loss-of-function is a known mechanism of disease; Not observed at a significant frequency in large population cohorts (gnomAD); This variant is associated with the following publications: (PMID: 25525159, 12813757)

Genomic Research Center, Shahid Beheshti University of Medical Sciences
Classification: Pathogenic for Junctional epidermolysis bullosa, non-Herlitz type. Last evaluated: 2020-05-03. Review status: criteria provided, single submitter. Criteria: ACMG Guidelines, 2015. Collection method: clinical testing. Allele origin: unknown. Affected: yes.

Molecular Diagnostics Laboratory, M Health Fairview: University of Minnesota
Classification: Pathogenic for Junctional epidermolysis bullosa, non-Herlitz type. Last evaluated: 2019-05-07. Review status: criteria provided, single submitter. Criteria: ACMG Guidelines, 2015. Collection method: clinical testing. Allele origin: germline. Affected: yes. Observed: 1 variant allele.

Literature cited by the submitters: PubMed 12813757 (cited by Women's Health and Genetics/Laboratory Corporation of America, LabCorp and Molecular Diagnostics Laboratory, M Health Fairview: University of Minnesota).